The following is an entry in ClinVar:

ClinVar aggregate classification (germline): Uncertain significance. Review status: criteria provided, multiple submitters, no conflicts (2 of 4 stars). 4 submissions from 4 submitters: Uncertain significance (4). Last evaluated 2024-10-14.

Conditions:
Hereditary cancer-predisposing syndrome. Also called: Hereditary neoplastic syndrome; Neoplastic Syndromes, Hereditary; Tumor predisposition; Hereditary Cancer Syndrome. Identifiers: Orphanet 140162, MedGen C0027672, MeSH D009386, MONDO:0015356.
Nijmegen breakage syndrome-like disorder (NBSLD). Also called: MICROCEPHALY AND SPONTANEOUS CHROMOSOME INSTABILITY WITHOUT IMMUNODEFICIENCY; NBS-LIKE DISORDER; RAD50 DEFICIENCY. Identifiers: Orphanet 240760, MedGen C2751318, MONDO:0013118, OMIM 613078.

Allele frequency attached by ClinVar (database versions not stated): TOPMed 0.00001.

Submissions (4):

Ambry Genetics
Classification: Uncertain significance for Hereditary cancer-predisposing syndrome. Last evaluated: 2024-10-14. Review status: criteria provided, single submitter. Criteria: Ambry Variant Classification Scheme 2023. Collection method: clinical testing. Allele origin: germline.
Comment: The p.R1214L variant (also known as c.3641G>T), located in coding exon 24 of the RAD50 gene, results from a G to T substitution at nucleotide position 3641. The arginine at codon 1214 is replaced by leucine, an amino acid with dissimilar properties. This amino acid position is highly conserved in available vertebrate species. In addition, this alteration is predicted to be deleterious by in silico analysis. Since supporting evidence is limited at this time, the clinical significance of this alteration remains unclear.

Baylor Genetics
Classification: Uncertain significance for Nijmegen breakage syndrome-like disorder. Last evaluated: 2024-03-08. Review status: criteria provided, single submitter. Criteria: ACMG Guidelines, 2015. Collection method: clinical testing. Allele origin: unknown.

Labcorp Genetics (formerly Invitae), Labcorp
Classification: Uncertain significance for Hereditary cancer-predisposing syndrome. Last evaluated: 2024-01-18. Review status: criteria provided, single submitter. Criteria: Invitae Variant Classification Sherloc (09022015). Collection method: clinical testing. Allele origin: germline.
Comment: This sequence change replaces arginine, which is basic and polar, with leucine, which is neutral and non-polar, at codon 1214 of the RAD50 protein (p.Arg1214Leu). This variant is not present in population databases (gnomAD no frequency). This variant has not been reported in the literature in individuals affected with RAD50-related conditions. ClinVar contains an entry for this variant (Variation ID: 186088). Advanced modeling of protein sequence and biophysical properties (such as structural, functional, and spatial information, amino acid conservation, physicochemical variation, residue mobility, and thermodynamic stability) performed at Invitae indicates that this missense variant is expected to disrupt RAD50 protein function with a positive predictive value of 80%. In summary, the available evidence is currently insufficient to determine the role of this variant in disease. Therefore, it has been classified as a Variant of Uncertain Significance.

GeneDx
Classification: Uncertain significance. Last evaluated: 2023-07-11. Review status: criteria provided, single submitter. Criteria: GeneDx Variant Classification Process June 2021. Collection method: clinical testing. Allele origin: germline. Affected: yes.
Comment: Not observed at significant frequency in large population cohorts (gnomAD); In silico analysis supports that this missense variant has a deleterious effect on protein structure/function; Has not been previously published as pathogenic or benign to our knowledge; Variants in candidate genes are classified as variants of uncertain significance in accordance with ACMG guidelines (Richards et al., 2015)

NM_005732.4(RAD50):c.3641G>T (p.Arg1214Leu)

Genes: TH2LCRR (T helper type 2 locus control region associated RNA; minus strand), TH2-LCR (Th2 cytokine locus control region; plus strand), RAD50 (RAD50 double strand break repair protein; plus strand). Cytogenetic location: 5q31.1.
Variant type: single nucleotide variant.
Coding change: c.3641G>T on transcript NM_005732.4 (MANE Select); coding-DNA position 3641, G replaced by T.
Protein change: p.Arg1214Leu; replaces arginine 1214 with leucine.
Molecular consequence: missense variant.
Genome position (GRCh38, 1-based): chr5:132,640,694, G>T. VCF-style: chr5-132640694-G-T. GRCh37 (hg19) VCF-style: chr5-131976386-G-T.
Other names: short protein forms R1214L.
Identifiers: ClinVar variation 186088 (VCV000186088.17), dbSNP rs765290694, ClinGen allele CA193833.